The following is an entry in ClinVar:

ClinVar aggregate classification (germline): Uncertain significance. Review status: criteria provided, multiple submitters, no conflicts (2 of 4 stars). 5 submissions from 5 submitters: Uncertain significance (5). Last evaluated 2025-10-24.

Conditions:
Epidermolysis bullosa simplex, Ogna type (EBS5A). Also called: Pidermolysis bullosa simplex 5A, Ogna type; EPIDERMOLYSIS BULLOSA SIMPLEX 5A, OGNA TYPE. Identifiers: Orphanet 79401, MedGen C0432317, MONDO:0007555, OMIM 131950.
Epidermolysis bullosa simplex 5C, with pyloric atresia (EBS5C). Also called: PLEC-Related Epidermolysis Bullosa with Pyloric Atresia; Epidermolysis bullosa simplex with pyloric atresia; PLEC1-Related Epidermolysis Bullosa with Pyloric Atresia. Identifiers: Orphanet 158684, MedGen C2677349, MONDO:0012807, OMIM 612138.
Autosomal recessive limb-girdle muscular dystrophy type 2Q (LGMDR17). Also called: MUSCULAR DYSTROPHY, LIMB-GIRDLE, AUTOSOMAL RECESSIVE 17. Identifiers: Orphanet 254361, MedGen C3150989, MONDO:0013390, OMIM 613723.
Epidermolysis bullosa simplex with nail dystrophy (EBS5D). Identifiers: MedGen C4225309, MONDO:0014661, OMIM 616487.
Epidermolysis bullosa simplex 5B, with muscular dystrophy (EBS5B). Also called: EPIDERMOLYSIS BULLOSA SIMPLEX AND LIMB-GIRDLE MUSCULAR DYSTROPHY; Epidermolysis bullosa simplex with muscular dystrophy. Identifiers: Orphanet 257, MedGen C2931072, MONDO:0009181, OMIM 226670.
Inborn genetic diseases. Identifiers: MedGen C0950123, MeSH D030342.

Allele frequency attached by ClinVar (database versions not stated): TOPMed 0.00003.
gnomAD v4.1: 18 of 1,587,282 alleles (0.0011%); highest among the groups gnomAD compares: Non-Finnish European, 0.0014%; no homozygotes.

Submissions (5):

Labcorp Genetics (formerly Invitae), Labcorp
Classification: Uncertain significance for Autosomal recessive limb-girdle muscular dystrophy type 2Q; Epidermolysis bullosa simplex, Ogna type; Epidermolysis bullosa simplex with nail dystrophy; Epidermolysis bullosa simplex 5C, with pyloric atresia; Epidermolysis bullosa simplex 5B, with muscular dystrophy. Last evaluated: 2025-10-24. Review status: criteria provided, single submitter. Criteria: Invitae Variant Classification Sherloc (09022015). Collection method: clinical testing. Allele origin: germline.
Comment: This sequence change replaces arginine, which is basic and polar, with serine, which is neutral and polar, at codon 2016 of the PLEC protein (p.Arg2016Ser). The frequency data for this variant in the population databases is considered unreliable, as metrics indicate poor data quality at this position in the gnomAD database. This variant has not been reported in the literature in individuals affected with PLEC-related conditions. ClinVar contains an entry for this variant (Variation ID: 196744). Invitae Evidence Modeling of protein sequence and biophysical properties (such as structural, functional, and spatial information, amino acid conservation, physicochemical variation, residue mobility, and thermodynamic stability) indicates that this missense variant is not expected to disrupt PLEC protein function with a negative predictive value of 80%. In summary, the available evidence is currently insufficient to determine the role of this variant in disease. Therefore, it has been classified as a Variant of Uncertain Significance.

CeGaT Center for Human Genetics Tuebingen
Classification: Uncertain significance. Last evaluated: 2025-03-01. Review status: criteria provided, single submitter. Criteria: CeGaT Center For Human Genetics Tuebingen Variant Classification Criteria Version 2. Collection method: clinical testing. Allele origin: germline. Affected: yes. Observed: 1 variant allele.

Revvity Omics, Revvity
Classification: Uncertain significance. Last evaluated: 2022-12-08. Review status: criteria provided, single submitter. Criteria: ACMG Guidelines, 2015. Collection method: clinical testing. Allele origin: germline.

Ambry Genetics
Classification: Uncertain significance for Inborn genetic diseases. Last evaluated: 2021-10-18. Review status: criteria provided, single submitter. Criteria: Ambry Variant Classification Scheme 2023. Collection method: clinical testing. Allele origin: germline.

Eurofins Ntd Llc (ga)
Classification: Uncertain significance. Last evaluated: 2017-02-28. Review status: criteria provided, single submitter. Criteria: EGL Classification Definitions 2015. Collection method: clinical testing. Allele origin: germline. Observed: 4 variant alleles, 4 heterozygotes.

NM_201384.3(PLEC):c.5965C>A (p.Arg1989Ser)

Gene: PLEC (plectin; minus strand). Cytogenetic location: 8q24.3.
Variant type: single nucleotide variant.
Coding change: c.5965C>A on transcript NM_201384.3 (MANE Select); coding-DNA position 5965, C replaced by A.
Protein change: p.Arg1989Ser; replaces arginine 1989 with serine.
Molecular consequence: missense variant.
Genome position (GRCh38, 1-based): chr8:143,923,964, G>T on the plus strand (C>A on the coding strand, the complement: PLEC is on the minus strand). VCF-style: chr8-143923964-G-T. GRCh37 (hg19) VCF-style: chr8-144998132-G-T.
Other names: c.6046C>A (NM_000445.3); c.6046C>A, p.Arg2016Ser (NM_000445.5); c.5923C>A, p.Arg1975Ser (NM_201378.4); c.5899C>A, p.Arg1967Ser (NM_201379.3); c.6376C>A, p.Arg2126Ser (NM_201380.4); c.5869C>A, p.Arg1957Ser (NM_201381.3); c.5965C>A, p.Arg1989Ser (NM_201382.4); c.5977C>A, p.Arg1993Ser (NM_201383.3); short protein forms R1957S, R1967S, R1975S, R1989S, R1993S, R2016S, R2126S.
Identifiers: ClinVar variation 196744 (VCV000196744.20), dbSNP rs201465091, ClinGen allele CA243930.